The following is an entry in ClinVar:

NM_014679.5(CEP57):c.665A>T (p.Gln222Leu)

Gene: CEP57 (centrosomal protein 57; plus strand). Cytogenetic location: 11q21.
Variant type: single nucleotide variant.
Coding change: c.665A>T on transcript NM_014679.5 (MANE Select); coding-DNA position 665, A replaced by T.
Protein change: p.Gln222Leu; replaces glutamine 222 with leucine.
Molecular consequence: missense variant.
Genome position (GRCh38, 1-based): chr11:95,818,870, A>T. VCF-style: chr11-95818870-A-T. GRCh37 (hg19) VCF-style: chr11-95552034-A-T.
Other names: c.638A>T, p.Gln213Leu (NM_001243776.2); c.665A>T, p.Gln222Leu (NM_001243777.2); c.584A>T, p.Gln195Leu (NM_001363604.2); short protein forms Q195L, Q213L, Q222L.
Identifiers: ClinVar variation 3831964 (VCV003831964.1).

ClinVar aggregate classification (germline): Uncertain significance (1 of 4 stars; one submission).

Conditions:
Inborn genetic diseases. Identifiers: MedGen C0950123, MeSH D030342.

Submission:

Ambry Genetics
Classification: Uncertain significance for Inborn genetic diseases. Last evaluated: 2025-01-14. Review status: criteria provided, single submitter. Criteria: Ambry Variant Classification Scheme 2023. Collection method: clinical testing. Allele origin: germline.
Comment: The p.Q222L variant (also known as c.665A>T), located in coding exon 6 of the CEP57 gene, results from an A to T substitution at nucleotide position 665. The glutamine at codon 222 is replaced by leucine, an amino acid with dissimilar properties. This amino acid position is conserved. In addition, the in silico prediction for this alteration is inconclusive. Based on the available evidence, the clinical significance of this variant remains unclear.